The following is an entry in ClinVar:

NM_006231.4(POLE):c.3527A>G (p.Asp1176Gly)

Gene: POLE (DNA polymerase epsilon, catalytic subunit; minus strand). Cytogenetic location: 12q24.33.
Variant type: single nucleotide variant.
Coding change: c.3527A>G on transcript NM_006231.4 (MANE Select); coding-DNA position 3527, A replaced by G.
Protein change: p.Asp1176Gly; replaces aspartic acid 1176 with glycine.
Molecular consequence: missense variant.
Genome position (GRCh38, 1-based): chr12:132,657,191, T>C on the plus strand (A>G on the coding strand, the complement: POLE is on the minus strand). VCF-style: chr12-132657191-T-C. GRCh37 (hg19) VCF-style: chr12-133233777-T-C.
Other names: c.3527A>G (NM_006231.2); short protein forms D1176G.
Identifiers: ClinVar variation 405624 (VCV000405624.13), dbSNP rs1060500785, ClinGen allele CA16613873.

ClinVar aggregate classification (germline): Uncertain significance. Review status: criteria provided, multiple submitters, no conflicts (2 of 4 stars). 3 submissions from 3 submitters: Uncertain significance (3). Last evaluated 2025-05-19.

Conditions:
Hereditary cancer-predisposing syndrome. Also called: Hereditary Cancer Syndrome; Hereditary neoplastic syndrome; Neoplastic Syndromes, Hereditary; Tumor predisposition. Identifiers: Orphanet 140162, MedGen C0027672, MeSH D009386, MONDO:0015356.

Submissions (3):

Labcorp Genetics (formerly Invitae), Labcorp
Classification: Uncertain significance. Last evaluated: 2025-05-19. Review status: criteria provided, single submitter. Criteria: Invitae Variant Classification Sherloc (09022015). Collection method: clinical testing. Allele origin: germline.
Comment: This sequence change replaces aspartic acid, which is acidic and polar, with glycine, which is neutral and non-polar, at codon 1176 of the POLE protein (p.Asp1176Gly). This variant is not present in population databases (gnomAD no frequency). This variant has not been reported in the literature in individuals affected with POLE-related conditions. ClinVar contains an entry for this variant (Variation ID: 405624). Invitae Evidence Modeling of protein sequence and biophysical properties (such as structural, functional, and spatial information, amino acid conservation, physicochemical variation, residue mobility, and thermodynamic stability) has been performed for this missense variant. However, the output from this modeling did not meet the statistical confidence thresholds required to predict the impact of this variant on POLE protein function. In summary, the available evidence is currently insufficient to determine the role of this variant in disease. Therefore, it has been classified as a Variant of Uncertain Significance.

Ambry Genetics
Classification: Uncertain significance for Hereditary cancer-predisposing syndrome. Last evaluated: 2025-02-19. Review status: criteria provided, single submitter. Criteria: Ambry Variant Classification Scheme 2023. Collection method: clinical testing. Allele origin: germline.
Comment: The p.D1176G variant (also known as c.3527A>G), located in coding exon 29 of the POLE gene, results from an A to G substitution at nucleotide position 3527. The aspartic acid at codon 1176 is replaced by glycine, an amino acid with similar properties. This amino acid position is highly conserved in available vertebrate species. In addition, the in silico prediction for this alteration is inconclusive. Based on the available evidence, the clinical significance of this variant remains unclear.

GeneDx
Classification: Uncertain significance. Last evaluated: 2024-05-16. Review status: criteria provided, single submitter. Criteria: GeneDx Variant Classification Process June 2021. Collection method: clinical testing. Allele origin: germline. Affected: yes.
Comment: Not observed at significant frequency in large population cohorts (gnomAD); In silico analysis supports that this missense variant has a deleterious effect on protein structure/function; Has not been previously published as pathogenic or benign to our knowledge; This variant is associated with the following publications: (PMID: 28427513)